The following is an entry in ClinVar:

ClinVar aggregate classification (germline): Uncertain significance (1 of 4 stars; one submission).

Conditions:
Polycystic kidney disease, adult type (PKD1). Also called: POLYCYSTIC KIDNEY DISEASE 1 WITH OR WITHOUT POLYCYSTIC LIVER DISEASE; Polycystic Kidney Disease 1, Autosomal Dominant; Polycystic kidney disease 1; Polycystic kidney disease 1, severe; Polycystic Kidney, Autosomal Dominant; POLYCYSTIC KIDNEY DISEASE, ADULT, TYPE I. Identifiers: MedGen C3149841, MONDO:0008263, OMIM 173900.

Allele frequency attached by ClinVar (database versions not stated): gnomAD exomes below 0.00001.
gnomAD v4.1: 1 of 1,612,612 alleles (0.000062%); highest among the groups gnomAD compares: East Asian, 0.0022%; no homozygotes.

Submission:

Neuberg Centre For Genomic Medicine, NCGM
Classification: Uncertain significance for Polycystic kidney disease, adult type. Review status: criteria provided, single submitter. Criteria: ACMG Guidelines, 2015. Collection method: clinical testing. Allele origin: germline. Inheritance: Autosomal dominant inheritance. Affected: yes.
Comment: The missense variant p.G1594V in PKD1 (NM_001009944.3) has not been reported previously as a pathogenic variant nor as a benign variant, to our knowledge. The p.G1594V variant is novel (not in any individuals) in gnomAD Exomes and is novel (not in any individuals) in 1000 Genomes. There is a moderate physicochemical difference between glycine and valine. The p.G1594V missense variant is predicted to be damaging by both SIFT and PolyPhen2. The nucleotide c.4781 in PKD1 is predicted conserved by GERP++ and PhyloP across 100 vertebrates. Homozygous variants as well as variants across multiple genes have been reported previously in ADPKD (Durkie M et al,Rossetti S et al) .For these reasons, this variant has been classified as Uncertain Significance.

NM_001009944.3(PKD1):c.4781G>T (p.Gly1594Val)

Gene: PKD1 (polycystin 1, transient receptor potential channel interacting; minus strand). Cytogenetic location: 16p13.3.
Variant type: single nucleotide variant.
Coding change: c.4781G>T on transcript NM_001009944.3 (MANE Select); coding-DNA position 4781, G replaced by T.
Protein change: p.Gly1594Val; replaces glycine 1594 with valine.
Molecular consequence: missense variant.
Genome position (GRCh38, 1-based): chr16:2,110,386, C>A on the plus strand (G>T on the coding strand, the complement: PKD1 is on the minus strand). VCF-style: chr16-2110386-C-A. GRCh37 (hg19) VCF-style: chr16-2160387-C-A.
Other names: c.4781G>T, p.Gly1594Val (NM_000296.4); short protein forms G1594V.
Identifiers: ClinVar variation 2585636 (VCV002585636.1), dbSNP rs1754104193, ClinGen allele CA394379263.